The following is an entry in ClinVar:

ClinVar aggregate classification (germline): Conflicting classifications of pathogenicity. Review status: criteria provided, conflicting classifications (1 of 4 stars). 6 submissions from 6 submitters: Uncertain significance (3); Benign (1); Likely benign (1). 1 of the submissions does not count toward it. Last evaluated 2026-01-26.

Conditions:
Hereditary cancer-predisposing syndrome. Also called: Tumor predisposition; Hereditary neoplastic syndrome; Neoplastic Syndromes, Hereditary; Hereditary Cancer Syndrome. Identifiers: Orphanet 140162, MedGen C0027672, MeSH D009386, MONDO:0015356.
Ovarian cancer. Also called: OVARIAN CANCER, SOMATIC. Identifiers: Orphanet 213500, MedGen C1140680, MONDO:0008170, OMIM 167000.
Xeroderma pigmentosum, group G (XPG). Also called: XERODERMA PIGMENTOSUM VII; XP, GROUP G; Xeroderma pigmentosum type 7; ERCC5-Related Xeroderma Pigmentosum. Identifiers: MedGen C0268141, MONDO:0010216, OMIM 278780.

Allele frequency attached by ClinVar (database versions not stated): gnomAD 0.00004 and 0.00005; TOPMed 0.00018; gnomAD exomes 0.00023; ExAC 0.00027.
gnomAD v4.1: 76 of 1,614,048 alleles (0.0047%); highest among the groups gnomAD compares: East Asian, 0.15%; no homozygotes.

Submissions (6):

Labcorp Genetics (formerly Invitae), Labcorp
Classification: Likely benign. Last evaluated: 2026-01-26. Review status: criteria provided, single submitter. Criteria: Invitae Variant Classification Sherloc (09022015). Collection method: clinical testing. Allele origin: germline.

Blueprint Genetics
Classification: Uncertain significance. Last evaluated: 2024-05-17. Review status: criteria provided, single submitter. Criteria: ACMG Guidelines, 2015. Collection method: clinical testing. Allele origin: germline.

Laboratory of Molecular Epidemiology of Birth Defects, West China Second University Hospital, Sichuan University
Classification: Benign for Ovarian cancer. Last evaluated: 2022-01-01. Review status: criteria provided, single submitter. Criteria: ACMG Guidelines, 2015. Collection method: clinical testing. Allele origin: germline. Affected: yes.

Sema4
Classification: Uncertain significance for Hereditary cancer-predisposing syndrome. Last evaluated: 2021-08-12. Review status: criteria provided, single submitter. Criteria: Sema4 Curation Guidelines. Collection method: curation. Allele origin: germline.
Comment: To the best of our knowledge, the ERCC5 c.2995T>G (p.L999V) variant has not been reported in individuals with ERCC5-related disease. It was observed in 57/19936 chromosomes of the East Asian subpopulation in the large and broad cohorts of the Genome Aggregation Database (PMID: 32461654). The variant has been reported in ClinVar (Variation ID 134175). Functional studies have not been performed, and in silico predictions of the variant's effect on protein function are inconclusive. There is no indication that this variant causes disease, but the evidence is insufficient currently to prove that conclusively. Thus, the clinical significance of this variant is currently uncertain.

Illumina Laboratory Services, Illumina
Classification: Uncertain significance for Xeroderma pigmentosum, group G. Last evaluated: 2018-01-13. Review status: criteria provided, single submitter. Criteria: ICSL Variant Classification Criteria 13 December 2019. Collection method: clinical testing. Allele origin: germline.

ITMI
No classification provided. Condition: AllHighlyPenetrant. Last evaluated: 2013-09-19. Review status: no classification provided. Collection method: reference population. Allele origin: germline. Not counted in ClinVar's aggregate classification.
Comment: Please see associated publication for description of ethnicities

Literature cited by the submitters: PubMed 24728327 (cited by ITMI).

NM_000123.4(ERCC5):c.2995T>G (p.Leu999Val)

Genes: BIVM-ERCC5 (BIVM-ERCC5 readthrough; plus strand), ERCC5 (ERCC excision repair 5, endonuclease; plus strand). Cytogenetic location: 13q33.1.
Variant type: single nucleotide variant.
Coding change: c.2995T>G on transcript NM_000123.4 (MANE Select); coding-DNA position 2995, T replaced by G.
Protein change: p.Leu999Val; replaces leucine 999 with valine.
Molecular consequence: missense variant.
Genome position (GRCh38, 1-based): chr13:102,875,337, T>G. VCF-style: chr13-102875337-T-G. GRCh37 (hg19) VCF-style: chr13-103527687-T-G.
Other names: c.4357T>G, p.Leu1453Val (NM_001204425.2); short protein forms L999V, L1453V.
Identifiers: ClinVar variation 134175 (VCV000134175.14), dbSNP rs368550097, ClinGen allele CA159002.